The following is an entry in ClinVar:

ClinVar aggregate classification (germline): Benign/Likely benign. Review status: criteria provided, multiple submitters, no conflicts (2 of 4 stars). 8 submissions from 8 submitters: Benign (3); Likely benign (5). Last evaluated 2026-01-28.

Conditions:
Walker-Warburg congenital muscular dystrophy. Also called: Muscular dystrophy-dystroglycanopathy, type A; Walker-Warburg syndrome. Identifiers: Orphanet 899, MedGen C0265221, MONDO:0000171.
Autosomal recessive limb-girdle muscular dystrophy type 2K. Also called: MUSCULAR DYSTROPHY-DYSTROGLYCANOPATHY (LIMB-GIRDLE), TYPE C, 1; MUSCULAR DYSTROPHY, LIMB-GIRDLE, TYPE 2K. Identifiers: Orphanet 86812, MedGen C1836373, MONDO:0012248, OMIM 609308.
Muscular dystrophy-dystroglycanopathy (congenital with impaired intellectual development), type B, 1. Also called: MUSCULAR DYSTROPHY, CONGENITAL, POMT1-RELATED; Muscular dystrophy-dystroglycanopathy (congenital with intellectual disability), type B1. Identifiers: MedGen C5436962, MONDO:0013159, OMIM 613155.

Allele frequency attached by ClinVar (database versions not stated): gnomAD exomes 0.00041 and 0.00092; ExAC 0.00114; 1000 Genomes Project 0.00300; gnomAD 0.00308 and 0.00332; 1000 Genomes Project 30x 0.00328; TOPMed 0.00368; ESP Exome Variant Server 0.00423.
gnomAD v4.1: 1,103 of 1,610,622 alleles (0.068%); highest among the groups gnomAD compares: African/African-American, 1.1%; 3 homozygotes.

Submissions (8):

Labcorp Genetics (formerly Invitae), Labcorp
Classification: Benign for Muscular dystrophy-dystroglycanopathy (congenital with impaired intellectual development), type B, 1; Walker-Warburg congenital muscular dystrophy; Autosomal recessive limb-girdle muscular dystrophy type 2K. Last evaluated: 2026-01-28. Review status: criteria provided, single submitter. Criteria: Invitae Variant Classification Sherloc (09022015). Collection method: clinical testing. Allele origin: germline.

Genomic Medicine Center of Excellence, King Faisal Specialist Hospital and Research Centre
Classification: Likely benign. Last evaluated: 2025-08-18. Review status: criteria provided, single submitter. Criteria: ACMG Guidelines, 2015. Collection method: clinical testing. Allele origin: germline.

Blueprint Genetics
Classification: Likely benign. Last evaluated: 2024-11-04. Review status: criteria provided, single submitter. Criteria: ACMG Guidelines, 2015. Collection method: clinical testing. Allele origin: germline.

GeneDx
Classification: Likely benign. Last evaluated: 2018-03-01. Review status: criteria provided, single submitter. Criteria: GeneDx Variant Classification (06012015). Collection method: clinical testing. Allele origin: germline. Affected: yes.
Comment: This variant is considered likely benign or benign based on one or more of the following criteria: it is a conservative change, it occurs at a poorly conserved position in the protein, it is predicted to be benign by multiple in silico algorithms, and/or has population frequency not consistent with disease.

Illumina Laboratory Services, Illumina
Classification: Likely benign for Autosomal recessive limb-girdle muscular dystrophy type 2K. Last evaluated: 2018-01-12. Review status: criteria provided, single submitter. Criteria: ICSL Variant Classification Criteria 13 December 2019. Collection method: clinical testing. Allele origin: germline.
Comment: This variant was observed in the ICSL laboratory as part of a predisposition screen in an ostensibly healthy population. It had not been previously curated by ICSL or reported in the Human Gene Mutation Database (HGMD: prior to June 1st, 2018), and was therefore a candidate for classification through an automated scoring system. Utilizing variant allele frequency, disease prevalence and penetrance estimates, and inheritance mode, an automated score was calculated to assess if this variant is too frequent to cause the disease. Based on the score and internal cut-off values, a variant classified as likely benign is not then subjected to further curation. The score for this variant resulted in a classification of likely benign for this disease.

PreventionGenetics, part of Exact Sciences
Classification: Benign. Last evaluated: 2016-04-01. Review status: criteria provided, single submitter. Criteria: ACMG Guidelines, 2015. Collection method: clinical testing. Allele origin: germline.

Eurofins Ntd Llc (ga)
Classification: Benign. Last evaluated: 2014-01-27. Review status: criteria provided, single submitter. Criteria: EGL Classification Definitions 2015. Collection method: clinical testing. Allele origin: germline. Observed: 1 variant allele, 1 heterozygote.

Breakthrough Genomics
Classification: Likely benign. Review status: criteria provided, single submitter. Criteria: ACMG Guidelines, 2015. Collection method: not provided. Allele origin: germline. Inheritance: Autosomal recessive inheritance. Affected: yes.

NM_001077365.2(POMT1):c.1585-14C>T

Gene: POMT1 (protein O-mannosyltransferase 1; plus strand). Cytogenetic location: 9q34.13.
Variant type: single nucleotide variant.
Coding change: c.1585-14C>T on transcript NM_001077365.2 (MANE Select); 14 bases into the intron before coding-DNA position 1585, C replaced by T.
Molecular consequence: intron variant.
Genome position (GRCh38, 1-based): chr9:131,520,066, C>T. VCF-style: chr9-131520066-C-T. GRCh37 (hg19) VCF-style: chr9-134395453-C-T.
Other names: c.1489-14C>T (NM_001353198.2, NM_001353197.2); c.1651-14C>T (NM_001353193.2, NM_007171.4); c.1585-14C>T (NM_001136113.2); c.1423-14C>T (NM_001353194.2, NM_001077366.2); c.1234-14C>T (NM_001374691.1, NM_001353195.2, NM_001374692.1 and 2 more transcripts); c.1366-14C>T (NM_001374690.1); c.1495-14C>T (NM_001353196.2); c.1195-14C>T (NM_001374695.1); and 3 more.
Identifiers: ClinVar variation 167529 (VCV000167529.20), dbSNP rs78529026, ClinGen allele CA180341.